The following is an entry in ClinVar:

ClinVar aggregate classification (germline): Uncertain significance (1 of 4 stars; one submission).

Conditions:
TSHZ1-related disorder. Also called: TSHZ1-related condition.

gnomAD v4.1: 48 of 1,614,024 alleles (0.003%); highest among the groups gnomAD compares: South Asian, 0.0099%; 1 homozygote.

Submission:

PreventionGenetics, part of Exact Sciences
Classification: Uncertain significance for TSHZ1-related condition. Last evaluated: 2026-07-28. Review status: criteria provided, single submitter. Criteria: ACMG Guidelines, 2015. Collection method: clinical testing. Allele origin: germline.
Comment: The TSHZ1 c.2633C>T variant is predicted to result in the amino acid substitution p.Pro878Leu. To our knowledge, this variant has not been reported in the literature. This variant is reported in 0.0098% of alleles in individuals of South Asian descent in gnomAD. At this time, the clinical significance of this variant is uncertain due to the absence of conclusive functional and genetic evidence.

NM_001308210.2(TSHZ1):c.2768C>T (p.Pro923Leu)

Gene: TSHZ1 (teashirt zinc finger homeobox 1; plus strand). Cytogenetic location: 18q22.3.
Variant type: single nucleotide variant.
Coding change: c.2768C>T on transcript NM_001308210.2 (MANE Select); coding-DNA position 2768, C replaced by T.
Protein change: p.Pro923Leu; replaces proline 923 with leucine.
Molecular consequence: missense variant.
Genome position (GRCh38, 1-based): chr18:75,288,175, C>T. VCF-style: chr18-75288175-C-T. GRCh37 (hg19) VCF-style: chr18-73000130-C-T.
Other names: c.2633C>T, p.Pro878Leu (NM_005786.6); short protein forms P878L, P923L.
Identifiers: ClinVar variation 4978548 (VCV004978548.1).